The following is an entry in ClinVar:

ClinVar aggregate classification (germline): Uncertain significance. Review status: criteria provided, multiple submitters, no conflicts (2 of 4 stars). 2 submissions from 2 submitters: Uncertain significance (2). Last evaluated 2026-07-01.

Submissions (2):

CeGaT Center for Human Genetics Tuebingen
Classification: Uncertain significance. Last evaluated: 2026-07-01. Review status: criteria provided, single submitter. Criteria: CeGaT Center For Human Genetics Tuebingen Variant Classification Criteria Version 2. Collection method: clinical testing. Allele origin: germline. Affected: yes. Observed: 1 variant allele.
Comment: SOX11: PM2:Supporting, PP2, PP3

Labcorp Genetics (formerly Invitae), Labcorp
Classification: Uncertain significance. Last evaluated: 2022-09-30. Review status: criteria provided, single submitter. Criteria: Invitae Variant Classification Sherloc (09022015). Collection method: clinical testing. Allele origin: germline.
Comment: In summary, the available evidence is currently insufficient to determine the role of this variant in disease. Therefore, it has been classified as a Variant of Uncertain Significance. Advanced modeling of protein sequence and biophysical properties (such as structural, functional, and spatial information, amino acid conservation, physicochemical variation, residue mobility, and thermodynamic stability) performed at Invitae indicates that this missense variant is not expected to disrupt SOX11 protein function. ClinVar contains an entry for this variant (Variation ID: 1378550). This variant has not been reported in the literature in individuals affected with SOX11-related conditions. This variant is not present in population databases (gnomAD no frequency). This sequence change replaces alanine, which is neutral and non-polar, with glycine, which is neutral and non-polar, at codon 299 of the SOX11 protein (p.Ala299Gly).

NM_003108.4(SOX11):c.896C>G (p.Ala299Gly)

Gene: SOX11 (SRY-box transcription factor 11; plus strand). Cytogenetic location: 2p25.2.
Variant type: single nucleotide variant.
Coding change: c.896C>G on transcript NM_003108.4 (MANE Select); coding-DNA position 896, C replaced by G.
Protein change: p.Ala299Gly; replaces alanine 299 with glycine.
Molecular consequence: missense variant.
Genome position (GRCh38, 1-based): chr2:5,693,617, C>G. VCF-style: chr2-5693617-C-G. GRCh37 (hg19) VCF-style: chr2-5833749-C-G.
Other names: short protein forms A299G.
Identifiers: ClinVar variation 1378550 (VCV001378550.8), dbSNP rs2103276986, ClinGen allele CA345867684.
Genomic context (GRCh38, chr2:5,693,617, plus strand): 5'-CTACGCTGAGCAGCTCGGCGGAGTCCCCCGAGGGAGCGAGCCTCTACGACGAGGTGCGGG[C>G]CGGCGCGACCTCGGGCGCCGGGGGCGGCAGCCGCCTCTACTACAGCTTCAAGAACATCAC-3'
Protein context (NP_003099.1, residues 289-309): EGASLYDEVR[Ala299Gly]GATSGAGGGS